The following is an entry in ClinVar:

NM_001282531.3(ADNP):c.2268dup (p.Lys757fs)

Gene: ADNP (activity dependent neuroprotector homeobox; minus strand). Cytogenetic location: 20q13.13.
Variant type: Duplication.
Coding change: c.2268dup on transcript NM_001282531.3 (MANE Select); coding-DNA position 2268, one base duplicated (C; older notation c.2268dupC).
Protein change: p.Lys757fs; shifts the reading frame from lysine 757.
Molecular consequence: frameshift variant.
Genome position (GRCh38, 1-based): chr20:50,892,446, G duplicated on the plus strand (C on the coding strand, the reverse complement: ADNP is on the minus strand); the first of 4 consecutive G bases (chr20:50,892,446-50,892,449); duplicating any one gives the same sequence. VCF-style (leftmost placement, unchanged base first): chr20-50892445-T-TG. GRCh37 (hg19) VCF-style: chr20-49508982-T-TG.
Other names: c.2268dup, p.Lys757fs (NM_001282532.2, NM_001347511.2, NM_015339.5 and 1 more transcripts); short protein forms K757fs.
Identifiers: ClinVar variation 280907 (VCV000280907.2), dbSNP rs886042026, ClinGen allele CA10603668.
Genomic context (GRCh38, chr20:50,892,445, plus strand): 5'-TGTTGAAATACTTTGTTAGAAAGCTTTTCCTGGCTTCATAGGAATCATCTTCATGACCCT[T>TG]GGGGTCTAAAGCTAAAACAACAGGCTCTTCAGGCTTCTCTTCAAAGAAGCTGGGTGAATC-3'

ClinVar aggregate classification (germline): Pathogenic (1 of 4 stars; one submission).

Submission:

GeneDx
Classification: Pathogenic. Last evaluated: 2016-09-30. Review status: criteria provided, single submitter. Criteria: GeneDx Variant Classification (06012015). Collection method: clinical testing. Allele origin: germline. Affected: yes.
Comment: The c.2268dupC variant in the ADNP gene has not been reported previously as a pathogenic variant nor as a benign variant, to our knowledge. The c.2268dupC variant causes a frameshift starting with codon Lysine 757, changes this amino acid to a Glutamine residue, and creates a premature Stop codon at position 4 of the new reading frame, denoted p.Lys757GlnfsX4. This variant is predicted to cause loss of normal protein function through protein truncation. It causes the deletion of the last 346 amino acids and an insertion of 3 incorrect amino acids. The c.2268dupC variant was not observed in approximately 6500 individuals of European and African American ancestry in the NHLBI Exome Sequencing Project, indicating it is not a common benign variant in these populations. We interpret c.2268dupC as a pathogenic variant.